The following is an entry in ClinVar:

ClinVar aggregate classification (germline): Uncertain significance. Review status: criteria provided, multiple submitters, no conflicts (2 of 4 stars). 2 submissions from 2 submitters: Uncertain significance (2). Last evaluated 2025-08-28.

Conditions:
Inborn genetic diseases. Identifiers: MedGen C0950123, MeSH D030342.

gnomAD v4.1: 12 of 1,560,382 alleles (0.00077%); highest among the groups gnomAD compares: Non-Finnish European, 0.001%; no homozygotes.

Submissions (2):

Ambry Genetics
Classification: Uncertain significance for Inborn genetic diseases. Last evaluated: 2025-08-28. Review status: criteria provided, single submitter. Criteria: Ambry Variant Classification Scheme 2023. Collection method: clinical testing. Allele origin: germline.

Labcorp Genetics (formerly Invitae), Labcorp
Classification: Uncertain significance. Last evaluated: 2022-06-27. Review status: criteria provided, single submitter. Criteria: Invitae Variant Classification Sherloc (09022015). Collection method: clinical testing. Allele origin: germline.
Comment: In summary, the available evidence is currently insufficient to determine the role of this variant in disease. Therefore, it has been classified as a Variant of Uncertain Significance. Algorithms developed to predict the effect of missense changes on protein structure and function are either unavailable or do not agree on the potential impact of this missense change (SIFT: "Deleterious"; PolyPhen-2: "Benign"; Align-GVGD: "Class C0"). This variant has not been reported in the literature in individuals affected with HES7-related conditions. This variant is not present in population databases (gnomAD no frequency). This sequence change replaces alanine, which is neutral and non-polar, with glutamic acid, which is acidic and polar, at codon 104 of the HES7 protein (p.Ala104Glu).

NM_001165967.2(HES7):c.326C>A (p.Ala109Glu)

Gene: HES7 (hes family bHLH transcription factor 7; minus strand). Cytogenetic location: 17p13.1.
Variant type: single nucleotide variant.
Coding change: c.326C>A on transcript NM_001165967.2 (MANE Select); coding-DNA position 326, C replaced by A.
Protein change: p.Ala109Glu; replaces alanine 109 with glutamic acid.
Molecular consequence: missense variant.
Genome position (GRCh38, 1-based): chr17:8,121,938, G>T on the plus strand (C>A on the coding strand, the complement: HES7 is on the minus strand). VCF-style: chr17-8121938-G-T. GRCh37 (hg19) VCF-style: chr17-8025256-G-T.
Other names: c.311C>A, p.Ala104Glu (NM_032580.4); c.311C>A (NM_032580.3); short protein forms A104E, A109E.
Identifiers: ClinVar variation 1371504 (VCV001371504.5), dbSNP rs937286297, ClinGen allele CA287537316.